The following is an entry in ClinVar:

ClinVar aggregate classification (germline): Uncertain significance (1 of 4 stars; one submission).

gnomAD v4.1: 15 of 1,531,838 alleles (0.00098%); highest among the groups gnomAD compares: Admixed American, 0.028%; no homozygotes.

Submission:

Labcorp Genetics (formerly Invitae), Labcorp
Classification: Uncertain significance. Last evaluated: 2025-05-07. Review status: criteria provided, single submitter. Criteria: Invitae Variant Classification Sherloc (09022015). Collection method: clinical testing. Allele origin: germline.
Comment: This sequence change replaces glycine, which is neutral and non-polar, with alanine, which is neutral and non-polar, at codon 216 of the CFD protein (p.Gly216Ala). This variant is present in population databases (no rsID available, gnomAD 0.03%). This variant has not been reported in the literature in individuals affected with CFD-related conditions. An algorithm developed to predict the effect of missense changes on protein structure and function (PolyPhen-2) suggests that this variant is likely to be disruptive. In summary, the available evidence is currently insufficient to determine the role of this variant in disease. Therefore, it has been classified as a Variant of Uncertain Significance.

NM_001928.4(CFD):c.647G>C (p.Gly216Ala)

Gene: CFD (complement factor D; plus strand). Cytogenetic location: 19p13.3.
Variant type: single nucleotide variant.
Coding change: c.647G>C on transcript NM_001928.4 (MANE Select); coding-DNA position 647, G replaced by C.
Protein change: p.Gly216Ala; replaces glycine 216 with alanine.
Molecular consequence: missense variant.
Genome position (GRCh38, 1-based): chr19:863,123, G>C. VCF-style: chr19-863123-G-C. GRCh37 (hg19) VCF-style: chr19-863123-G-C.
Other names: c.668G>C, p.Gly223Ala (NM_001317335.2); short protein forms G216A, G223A.
Identifiers: ClinVar variation 4768522 (VCV004768522.1).